The following is an entry in ClinVar:

ClinVar aggregate classification (germline): Likely benign. Review status: criteria provided, multiple submitters, no conflicts (2 of 4 stars). 4 submissions from 4 submitters: Likely benign (3). 1 of the submissions does not count toward it. Last evaluated 2024-05-13.

Conditions:
SH2B1-related disorder. Also called: SH2B1-related condition.

Allele frequency attached by ClinVar (database versions not stated): gnomAD 0.00621.

Submissions (4):

Blueprint Genetics
Classification: Likely benign. Last evaluated: 2024-05-13. Review status: criteria provided, single submitter. Criteria: ACMG Guidelines, 2015. Collection method: clinical testing. Allele origin: germline.

Labcorp Genetics (formerly Invitae), Labcorp
Classification: Likely benign. Last evaluated: 2019-12-31. Review status: criteria provided, single submitter. Criteria: Invitae Variant Classification Sherloc (09022015). Collection method: clinical testing. Allele origin: germline.

Breakthrough Genomics
Classification: Likely benign. Review status: criteria provided, single submitter. Criteria: ACMG Guidelines, 2015. Collection method: not provided. Allele origin: germline. Inheritance: Unknown mechanism. Affected: yes.

PreventionGenetics, part of Exact Sciences
Classification: Benign for SH2B1-related condition. Last evaluated: 2023-10-09. Review status: no assertion criteria provided. Collection method: clinical testing. Allele origin: germline. Not counted in ClinVar's aggregate classification.
Comment: This variant is classified as benign based on ACMG/AMP sequence variant interpretation guidelines (Richards et al. 2015 PMID: 25741868, with internal and published modifications).

NM_001387430.1(SH2B1):c.60A>C (p.Pro20=)

Gene: SH2B1 (SH2B adaptor protein 1; plus strand). Cytogenetic location: 16p11.2.
Variant type: single nucleotide variant.
Coding change: c.60A>C on transcript NM_001387430.1 (MANE Select); coding-DNA position 60, A replaced by C.
Protein change: p.Pro20=; no amino-acid change (proline 20 retained).
Molecular consequence: synonymous variant. On other transcripts: intron variant (1).
Genome position (GRCh38, 1-based): chr16:28,866,154, A>C. VCF-style: chr16-28866154-A-C. GRCh37 (hg19) VCF-style: chr16-28877475-A-C.
Other names: c.60A>C, p.Pro20= (NM_001145795.2, NM_001145796.2, NM_001145797.2 and 4 more transcripts); c.-26-1220A>C (NM_001308294.2).
Identifiers: ClinVar variation 791647 (VCV000791647.8), dbSNP rs1355653845, ClinGen allele CA494486608.